The following is an entry in ClinVar:

ClinVar aggregate classification (germline): Benign/Likely benign. Review status: criteria provided, multiple submitters, no conflicts (2 of 4 stars). 4 submissions from 4 submitters: Benign (1); Likely benign (3). Last evaluated 2024-07-30.

Conditions:
Hereditary cancer-predisposing syndrome. Also called: Tumor predisposition; Hereditary Cancer Syndrome; Neoplastic Syndromes, Hereditary; Hereditary neoplastic syndrome. Identifiers: Orphanet 140162, MedGen C0027672, MeSH D009386, MONDO:0015356.
Familial cancer of breast. Also called: BREAST CANCER, FAMILIAL; Hereditary breast cancer; hereditary breast carcinoma. Identifiers: Orphanet 227535, MedGen C0346153, MONDO:0016419, OMIM 114480. Disease mechanism: loss of function.

Allele frequency attached by ClinVar (database versions not stated): gnomAD exomes below 0.00001.
gnomAD v4.1: 1 of 1,614,184 alleles (0.000062%); highest among the groups gnomAD compares: South Asian, 0.0011%; no homozygotes.

Submissions (4):

Myriad Genetics, Inc.
Classification: Benign for Familial cancer of breast. Last evaluated: 2024-07-30. Review status: criteria provided, single submitter. Criteria: Myriad Autosomal Dominant, Autosomal Recessive and X-Linked Classification Criteria (2023). Collection method: clinical testing. Allele origin: unknown.
Comment: This variant is considered benign. This variant is a silent/synonymous amino acid change and it is not expected to impact splicing.

Labcorp Genetics (formerly Invitae), Labcorp
Classification: Likely benign for Familial cancer of breast. Last evaluated: 2023-11-20. Review status: criteria provided, single submitter. Criteria: Invitae Variant Classification Sherloc (09022015). Collection method: clinical testing. Allele origin: germline.

Color Diagnostics, LLC DBA Color Health
Classification: Likely benign for Hereditary cancer-predisposing syndrome. Last evaluated: 2022-11-07. Review status: criteria provided, single submitter. Criteria: ACMG Guidelines, 2015. Collection method: clinical testing. Allele origin: germline.

Ambry Genetics
Classification: Likely benign for Hereditary cancer-predisposing syndrome. Last evaluated: 2021-05-03. Review status: criteria provided, single submitter. Criteria: Ambry Variant Classification Scheme 2023. Collection method: clinical testing. Allele origin: germline.

NM_000465.4(BARD1):c.2223T>C (p.Asp741=)

Gene: BARD1 (BRCA1 associated RING domain 1; minus strand). Cytogenetic location: 2q35.
Variant type: single nucleotide variant.
Coding change: c.2223T>C on transcript NM_000465.4 (MANE Select); coding-DNA position 2223, T replaced by C.
Protein change: p.Asp741=; no amino-acid change (aspartic acid 741 retained).
Molecular consequence: synonymous variant. On other transcripts: non-coding transcript variant (3).
Genome position (GRCh38, 1-based): chr2:214,728,787, A>G on the plus strand (T>C on the coding strand, the complement: BARD1 is on the minus strand). VCF-style: chr2-214728787-A-G. GRCh37 (hg19) VCF-style: chr2-215593511-A-G.
Other names: c.2166T>C, p.Asp722= (NM_001282543.2); c.870T>C, p.Asp290= (NM_001282545.2); c.813T>C, p.Asp271= (NM_001282548.2); c.684T>C, p.Asp228= (NM_001282549.2).
Identifiers: ClinVar variation 1606877 (VCV001606877.13), dbSNP rs1692203425, ClinGen allele CA431392628.